The following is an entry in ClinVar:

ClinVar aggregate classification (germline): Uncertain significance (1 of 4 stars; one submission).

Conditions:
Joubert syndrome. Also called: CEREBELLOPARENCHYMAL DISORDER IV; JOUBERT-BOLTSHAUSER SYNDROME; Familial aplasia of the vermis. Identifiers: Orphanet 475, MedGen C5979921, MONDO:0018772.
Nephronophthisis. Also called: Juvenile Nephronophthisis. Identifiers: Orphanet 655, MedGen C0687120, MONDO:0019005, HP:0000090.
Meckel-Gruber syndrome. Also called: DYSENCEPHALIA SPLANCHNOCYSTICA; GRUBER SYNDROME; Dysencephalia splachnocystica. Identifiers: Orphanet 564, MedGen C0265215, MONDO:0018921.

Submission:

Labcorp Genetics (formerly Invitae), Labcorp
Classification: Uncertain significance for Joubert syndrome; Meckel-Gruber syndrome; Nephronophthisis. Last evaluated: 2022-09-12. Review status: criteria provided, single submitter. Criteria: Invitae Variant Classification Sherloc (09022015). Collection method: clinical testing. Allele origin: germline.
Comment: This sequence change replaces glutamic acid, which is acidic and polar, with lysine, which is basic and polar, at codon 1569 of the CEP290 protein (p.Glu1569Lys). This variant is not present in population databases (gnomAD no frequency). This variant has not been reported in the literature in individuals affected with CEP290-related conditions. ClinVar contains an entry for this variant (Variation ID: 1415014). Algorithms developed to predict the effect of missense changes on protein structure and function are either unavailable or do not agree on the potential impact of this missense change (SIFT: "Deleterious"; PolyPhen-2: "Probably Damaging"; Align-GVGD: "Class C0"). Algorithms developed to predict the effect of sequence changes on RNA splicing suggest that this variant may create or strengthen a splice site. In summary, the available evidence is currently insufficient to determine the role of this variant in disease. Therefore, it has been classified as a Variant of Uncertain Significance.

NM_025114.4(CEP290):c.4705G>A (p.Glu1569Lys)

Gene: CEP290 (centrosomal protein 290; minus strand). Cytogenetic location: 12q21.32.
Variant type: single nucleotide variant.
Coding change: c.4705G>A on transcript NM_025114.4 (MANE Select); coding-DNA position 4705, G replaced by A.
Protein change: p.Glu1569Lys; replaces glutamic acid 1569 with lysine.
Molecular consequence: missense variant.
Genome position (GRCh38, 1-based): chr12:88,083,954, C>T on the plus strand (G>A on the coding strand, the complement: CEP290 is on the minus strand). VCF-style: chr12-88083954-C-T. GRCh37 (hg19) VCF-style: chr12-88477731-C-T.
Other names: short protein forms E1569K.
Identifiers: ClinVar variation 1415014 (VCV001415014.3), dbSNP rs2137170285, ClinGen allele CA385994186.